The following is an entry in ClinVar:

NM_005732.4(RAD50):c.263A>T (p.Asp88Val)

Gene: RAD50 (RAD50 double strand break repair protein; plus strand). Cytogenetic location: 5q31.1.
Variant type: single nucleotide variant.
Coding change: c.263A>T on transcript NM_005732.4 (MANE Select); coding-DNA position 263, A replaced by T.
Protein change: p.Asp88Val; replaces aspartic acid 88 with valine.
Molecular consequence: missense variant.
Genome position (GRCh38, 1-based): chr5:132,575,826, A>T. VCF-style: chr5-132575826-A-T. GRCh37 (hg19) VCF-style: chr5-131911518-A-T.
Other names: short protein forms D88V.
Identifiers: ClinVar variation 1061949 (VCV001061949.12), dbSNP rs1554097571, ClinGen allele CA360930655.
Genomic context (GRCh38, chr5:132,575,826, plus strand): 5'-TTCCTTCAAAGGTTGCTCAAGAAACAGATGTGAGAGCCCAGATTCGTCTGCAATTTCGTG[A>T]TGTCAATGGAGAACTTATAGCTGTGCAAAGATCTATGGTGTGTACTCAGAAAAGCAAAAA-3'
Protein context (NP_005723.2, residues 78-98): VRAQIRLQFR[Asp88Val]VNGELIAVQR

ClinVar aggregate classification (germline): Uncertain significance. Review status: criteria provided, multiple submitters, no conflicts (2 of 4 stars). 2 submissions from 2 submitters: Uncertain significance (2). Last evaluated 2024-06-18.

Conditions:
Hereditary cancer-predisposing syndrome. Also called: Neoplastic Syndromes, Hereditary; Hereditary Cancer Syndrome; Hereditary neoplastic syndrome; Tumor predisposition. Identifiers: Orphanet 140162, MedGen C0027672, MeSH D009386, MONDO:0015356.

Submissions (2):

Ambry Genetics
Classification: Uncertain significance for Hereditary cancer-predisposing syndrome. Last evaluated: 2024-06-18. Review status: criteria provided, single submitter. Criteria: Ambry Variant Classification Scheme 2023. Collection method: clinical testing. Allele origin: germline.
Comment: The p.D88V variant (also known as c.263A>T), located in coding exon 3 of the RAD50 gene, results from an A to T substitution at nucleotide position 263. The aspartic acid at codon 88 is replaced by valine, an amino acid with highly dissimilar properties. This amino acid position is conserved. In addition, this alteration is predicted to be deleterious by in silico analysis. Since supporting evidence is limited at this time, the clinical significance of this alteration remains unclear.

Labcorp Genetics (formerly Invitae), Labcorp
Classification: Uncertain significance for Hereditary cancer-predisposing syndrome. Last evaluated: 2021-03-13. Review status: criteria provided, single submitter. Criteria: Invitae Variant Classification Sherloc (09022015). Collection method: clinical testing. Allele origin: germline.
Comment: Algorithms developed to predict the effect of missense changes on protein structure and function (SIFT, PolyPhen-2, Align-GVGD) all suggest that this variant is likely to be disruptive, but these predictions have not been confirmed by published functional studies and their clinical significance is uncertain. This variant has not been reported in the literature in individuals with RAD50-related conditions. This variant is not present in population databases (ExAC no frequency). This sequence change replaces aspartic acid with valine at codon 88 of the RAD50 protein (p.Asp88Val). The aspartic acid residue is highly conserved and there is a large physicochemical difference between aspartic acid and valine. In summary, the available evidence is currently insufficient to determine the role of this variant in disease. Therefore, it has been classified as a Variant of Uncertain Significance.